The following is an entry in ClinVar:

ClinVar aggregate classification (germline): Conflicting classifications of pathogenicity. Review status: criteria provided, conflicting classifications (1 of 4 stars). 2 submissions from 2 submitters: Uncertain significance (1); Likely benign (1). Last evaluated 2026-02-13.

Conditions:
Lymphatic malformation 6 (LMPHM6). Also called: GENERALIZED LYMPHATIC DYSPLASIA OF FOTIOU; Lymphedema, hereditary, III; PIEZO1-related generalized lymphatic dysplasia with non-immune hydrops fetalis. Identifiers: Orphanet 568062, MedGen C4225184, MONDO:0014797, OMIM 616843.

gnomAD v4.1: 5 of 1,533,864 alleles (0.00033%); highest among the groups gnomAD compares: Admixed American, 0.002%; no homozygotes.

Submissions (2):

Clinical Genomics Laboratory, Washington University in St. Louis
Classification: Uncertain significance for Lymphatic malformation 6. Last evaluated: 2026-02-13. Review status: criteria provided, single submitter. Criteria: ACMG Guidelines, 2015. Collection method: clinical testing. Allele origin: germline.
Comment: A PIEZO1 c.634+6C>G variant was identified at a near heterozygous allelic fraction of 49%, a frequency which may be consistent with germline origin. This variant, to our knowledge, has not been reported in the medical literature or in the ClinVar database. It is only observed on 5/1,533,864 alleles in the general population (gnomAD v4.1.0), indicating it is not a common variant. Computational predictors indicate that the variant has no impact on splicing, evidence that this variant does not have a damaging effect on PIEZO1 function. Due to limited information, and based on ACMG/AMP guidelines for variant interpretation (Richards S et al., PMID: 25741868), the clinical significance of this variant is uncertain at this time.

Blueprint Genetics
Classification: Likely benign. Last evaluated: 2021-07-27. Review status: criteria provided, single submitter. Criteria: ACMG Guidelines, 2015. Collection method: clinical testing. Allele origin: germline.

NM_001142864.4(PIEZO1):c.634+6C>G

Genes: HSALR1 (HSP90AB1 associated lncRNA 1; plus strand), PIEZO1 (piezo type mechanosensitive ion channel component 1 (Er blood group); minus strand). Cytogenetic location: 16q24.3.
Variant type: single nucleotide variant.
Coding change: c.634+6C>G on transcript NM_001142864.4 (MANE Select); 6 bases into the intron after coding-DNA position 634, C replaced by G.
Molecular consequence: intron variant. On other transcripts: non-coding transcript variant (1).
Genome position (GRCh38, 1-based): chr16:88,738,562, G>C on the plus strand (C>G on the coding strand, the complement: PIEZO1 is on the minus strand). VCF-style: chr16-88738562-G-C. GRCh37 (hg19) VCF-style: chr16-88804970-G-C.
Identifiers: ClinVar variation 4931939 (VCV004931939.1).